The following is an entry in ClinVar:

ClinVar aggregate classification (germline): Uncertain significance (1 of 4 stars; one submission).

Conditions:
Autosomal dominant Parkinson disease 8. Also called: LRRK2-Related Parkinson Disease; Parkinson disease 8; Parkinson disease 8, susceptibility to. Identifiers: Orphanet 411602, MedGen C1846862, MONDO:0011764, OMIM 607060.

Submission:

Labcorp Genetics (formerly Invitae), Labcorp
Classification: Uncertain significance for Autosomal dominant Parkinson disease 8. Last evaluated: 2022-01-04. Review status: criteria provided, single submitter. Criteria: Invitae Variant Classification Sherloc (09022015). Collection method: clinical testing. Allele origin: germline.
Comment: In summary, the available evidence is currently insufficient to determine the role of this variant in disease. Therefore, it has been classified as a Variant of Uncertain Significance. Algorithms developed to predict the effect of missense changes on protein structure and function output the following: SIFT: "Tolerated"; PolyPhen-2: "Benign"; Align-GVGD: "Class C0". The serine amino acid residue is found in multiple mammalian species, which suggests that this missense change does not adversely affect protein function. This variant has not been reported in the literature in individuals affected with LRRK2-related conditions. This variant is not present in population databases (gnomAD no frequency). This sequence change replaces cysteine, which is neutral and slightly polar, with serine, which is neutral and polar, at codon 6 of the LRRK2 protein (p.Cys6Ser).

NM_198578.4(LRRK2):c.17G>C (p.Cys6Ser)

Gene: LRRK2 (leucine rich repeat kinase 2; plus strand). Cytogenetic location: 12q12.
Variant type: single nucleotide variant.
Coding change: c.17G>C on transcript NM_198578.4 (MANE Select); coding-DNA position 17, G replaced by C.
Protein change: p.Cys6Ser; replaces cysteine 6 with serine.
Molecular consequence: missense variant.
Genome position (GRCh38, 1-based): chr12:40,225,148, G>C. VCF-style: chr12-40225148-G-C. GRCh37 (hg19) VCF-style: chr12-40618950-G-C.
Other names: short protein forms C6S.
Identifiers: ClinVar variation 2073898 (VCV002073898.4), dbSNP rs1940800044, ClinGen allele CA384398246.